The following is an entry in ClinVar:

NC_000023.10:g.(?_153760215)_(153764413_?)dup

Gene: G6PD (glucose-6-phosphate dehydrogenase; minus strand). Cytogenetic location: Xq28.
Variant type: Duplication.
Identifiers: ClinVar variation 2423565 (VCV002423565.4).

ClinVar aggregate classification (germline): Uncertain significance (1 of 4 stars; one submission).

Conditions:
Anemia, nonspherocytic hemolytic, due to G6PD deficiency (CNSHA1). Also called: Hemolytic anemia due to G6PD deficiency; Class I glucose-6-phosphate dehydrogenase deficiency; Favism, susceptibility to; ANEMIA, CONGENITAL, NONSPHEROCYTIC HEMOLYTIC, 1. Identifiers: Orphanet 466026, MedGen C2720289, MONDO:0010480, OMIM 300908.

Submission:

Labcorp Genetics (formerly Invitae), Labcorp
Classification: Uncertain significance for Anemia, nonspherocytic hemolytic, due to G6PD deficiency. Last evaluated: 2022-09-10. Review status: criteria provided, single submitter. Criteria: Invitae Variant Classification Sherloc (09022015). Collection method: clinical testing. Allele origin: germline.
Comment: This variant results in a copy number gain of the genomic region encompassing exon(s) 3-13 of the G6PD gene. This region includes the termination codon of the gene. This copy number gain extends beyond the assayed region for this gene and therefore may encompass additional genes. As the precise location of this event is unknown, it may be in tandem or it may be located elsewhere in the genome. This variant has not been reported in the literature in individuals affected with G6PD-related conditions. Experimental studies and prediction algorithms are not available or were not evaluated, and the functional significance of this variant is currently unknown. In summary, the available evidence is currently insufficient to determine the role of this variant in disease. Therefore, it has been classified as a Variant of Uncertain Significance.